The following is an entry in ClinVar:

ClinVar aggregate classification (germline): Pathogenic (1 of 4 stars; one submission).

Submission:

Labcorp Genetics (formerly Invitae), Labcorp
Classification: Pathogenic. Last evaluated: 2023-08-14. Review status: criteria provided, single submitter. Criteria: Invitae Variant Classification Sherloc (09022015). Collection method: clinical testing. Allele origin: germline.
Comment: This variant has not been reported in the literature in individuals affected with MYO5B-related conditions. For these reasons, this variant has been classified as Pathogenic. This variant is not present in population databases (gnomAD no frequency). This sequence change creates a premature translational stop signal (p.Asp1518Glyfs*16) in the MYO5B gene. It is expected to result in an absent or disrupted protein product. Loss-of-function variants in MYO5B are known to be pathogenic (PMID: 18724368, 20186687).

Literature cited by the submitters: PubMed 18724368; PubMed 20186687.

NM_001080467.3(MYO5B):c.4552dup (p.Asp1518fs)

Genes: MYO5B (myosin VB; minus strand), SNHG22 (small nucleolar RNA host gene 22; plus strand). Cytogenetic location: 18q21.1.
Variant type: Duplication.
Coding change: c.4552dup on transcript NM_001080467.3 (MANE Select); coding-DNA position 4552, one base duplicated (G; older notation c.4552dupG).
Protein change: p.Asp1518fs; shifts the reading frame from aspartic acid 1518.
Molecular consequence: frameshift variant.
Genome position (GRCh38, 1-based): chr18:49,843,300, C duplicated on the plus strand (G on the coding strand, the reverse complement: MYO5B is on the minus strand). VCF-style (leftmost placement, unchanged base first): chr18-49843299-T-TC. GRCh37 (hg19) VCF-style: chr18-47369669-T-TC.
Other names: short protein forms D1518fs.
Identifiers: ClinVar variation 2837958 (VCV002837958.3), dbSNP rs2511238321, ClinGen allele CA2739268745.